The following is an entry in ClinVar:

ClinVar aggregate classification (germline): Uncertain significance (1 of 4 stars; one submission).

Submission:

Ambry Genetics
Classification: Uncertain significance. Last evaluated: 2026-05-30. Review status: criteria provided, single submitter. Criteria: Ambry Variant Classification Scheme 2023. Collection method: clinical testing. Allele origin: germline.
Comment: The p.F147I variant (also known as c.439T>A), located in coding exon 1 of the MC1R gene, results from a T to A substitution at nucleotide position 439. The phenylalanine at codon 147 is replaced by isoleucine, an amino acid with highly similar properties. This amino acid position is conserved. In addition, the in silico prediction for this alteration is inconclusive. Based on the available evidence, the clinical significance of this variant remains unclear.

NM_002386.4(MC1R):c.439T>A (p.Phe147Ile)

Gene: MC1R (melanocortin 1 receptor; plus strand). Cytogenetic location: 16q24.3.
Variant type: single nucleotide variant.
Coding change: c.439T>A on transcript NM_002386.4 (MANE Select); coding-DNA position 439, T replaced by A.
Protein change: p.Phe147Ile; replaces phenylalanine 147 with isoleucine.
Molecular consequence: missense variant.
Genome position (GRCh38, 1-based): chr16:89,919,697, T>A. VCF-style: chr16-89919697-T-A. GRCh37 (hg19) VCF-style: chr16-89986105-T-A.
Other names: short protein forms F147I.
Identifiers: ClinVar variation 4859675 (VCV004859675.1).